The following is an entry in ClinVar:

NM_000080.4(CHRNE):c.1169G>C (p.Arg390Pro)

Genes: CHRNE (cholinergic receptor nicotinic epsilon subunit; minus strand), LOC130060040 (ATAC-STARR-seq lymphoblastoid silent region 8049; plus strand). Cytogenetic location: 17p13.2.
Variant type: single nucleotide variant.
Coding change: c.1169G>C on transcript NM_000080.4 (MANE Select); coding-DNA position 1169, G replaced by C.
Protein change: p.Arg390Pro; replaces arginine 390 with proline.
Molecular consequence: missense variant.
Genome position (GRCh38, 1-based): chr17:4,899,248, C>G on the plus strand (G>C on the coding strand, the complement: CHRNE is on the minus strand). VCF-style: chr17-4899248-C-G. GRCh37 (hg19) VCF-style: chr17-4802543-C-G.
Other names: c.1169G>C, p.Arg390Pro (LRG_1254t1); short protein forms R390P.
Identifiers: ClinVar variation 645845 (VCV000645845.16), dbSNP rs568952207, ClinGen allele CA8313995.

ClinVar aggregate classification (germline): Conflicting classifications of pathogenicity. Review status: criteria provided, conflicting classifications (1 of 4 stars). 5 submissions from 5 submitters: Uncertain significance (3); Likely benign (1). 1 of the submissions does not count toward it. Last evaluated 2026-01-24.

Conditions:
Congenital myasthenic syndrome (CMS). Also called: Congenital Myasthenic Syndromes. Identifiers: Orphanet 590, MedGen C0751882, MeSH D020294, MONDO:0018940.
Inborn genetic diseases. Identifiers: MedGen C0950123, MeSH D030342.
Congenital myasthenic syndrome 4A. Also called: CONGENITAL MYASTHENIC SYNDROME TYPE Ia1; Myasthenic syndrome, congenital, 4a, slow-channel; MYASTHENIC SYNDROME, CONGENITAL, 4A, SLOW-CHANNEL, AUTOSOMAL RECESSIVE. Identifiers: Orphanet 590, MedGen C4225413, MONDO:0011600, OMIM 605809.

Allele frequency attached by ClinVar (database versions not stated): ExAC 0.00013; TOPMed 0.00017; 1000 Genomes Project 0.00020; 1000 Genomes Project 30x 0.00016; gnomAD 0.00019.

Submissions (5):

Labcorp Genetics (formerly Invitae), Labcorp
Classification: Likely benign for Congenital myasthenic syndrome 4A. Last evaluated: 2026-01-24. Review status: criteria provided, single submitter. Criteria: Invitae Variant Classification Sherloc (09022015). Collection method: clinical testing. Allele origin: germline.

GeneDx
Classification: Uncertain significance. Last evaluated: 2025-11-24. Review status: criteria provided, single submitter. Criteria: GeneDx Variant Classification Process June 2021. Collection method: clinical testing. Allele origin: germline.
Comment: In silico analysis supports that this missense variant has a deleterious effect on protein structure/function; Has not been previously published as pathogenic or benign to our knowledge

Ambry Genetics
Classification: Uncertain significance for Inborn genetic diseases. Last evaluated: 2025-06-10. Review status: criteria provided, single submitter. Criteria: Ambry Variant Classification Scheme 2023. Collection method: clinical testing. Allele origin: germline.

Revvity Omics, Revvity
Classification: Uncertain significance. Last evaluated: 2025-02-04. Review status: criteria provided, single submitter. Criteria: ACMG Guidelines, 2015. Collection method: clinical testing. Allele origin: germline.

Natera, Inc.
Classification: Uncertain significance for Congenital myasthenic syndrome. Last evaluated: 2020-01-24. Review status: no assertion criteria provided. Collection method: clinical testing. Allele origin: germline. Not counted in ClinVar's aggregate classification.